The following is an entry in ClinVar:

ClinVar aggregate classification (germline): Uncertain significance (1 of 4 stars; one submission).

Submission:

GeneDx
Classification: Uncertain significance. Last evaluated: 2023-06-12. Review status: criteria provided, single submitter. Criteria: GeneDx Variant Classification Process June 2021. Collection method: clinical testing. Allele origin: germline. Affected: yes.
Comment: Not observed at significant frequency in large population cohorts (gnomAD); In silico analysis supports that this missense variant has a deleterious effect on protein structure/function; Has not been previously published as pathogenic or benign to our knowledge

NM_005324.5(H3-3B):c.196C>G (p.Leu66Val)

Gene: H3-3B (H3.3 histone B; minus strand). Cytogenetic location: 17q25.1.
Variant type: single nucleotide variant.
Coding change: c.196C>G on transcript NM_005324.5 (MANE Select); coding-DNA position 196, C replaced by G.
Protein change: p.Leu66Val; replaces leucine 66 with valine.
Molecular consequence: missense variant.
Genome position (GRCh38, 1-based): chr17:75,778,896, G>C on the plus strand (C>G on the coding strand, the complement: H3-3B is on the minus strand). VCF-style: chr17-75778896-G-C. GRCh37 (hg19) VCF-style: chr17-73774977-G-C.
Other names: short protein forms L66V.
Identifiers: ClinVar variation 3359557 (VCV003359557.1).